The following is an entry in ClinVar:

ClinVar aggregate classification (germline): Pathogenic (1 of 4 stars; one submission).

Conditions:
Inborn genetic diseases. Identifiers: MedGen C0950123, MeSH D030342.

Submission:

Ambry Genetics
Classification: Pathogenic for Inborn genetic diseases. Last evaluated: 2025-03-17. Review status: criteria provided, single submitter. Criteria: Ambry Variant Classification Scheme 2023. Collection method: clinical testing. Allele origin: germline.
Comment: The c.703_704delCT (p.L235Yfs*79) alteration, located in exon 6 (coding exon 5) of the POGZ gene, consists of a deletion of 2 nucleotides from position 703 to 704, causing a translational frameshift with a predicted alternate stop codon after 79 amino acids. This alteration is expected to result in loss of function by premature protein truncation or nonsense-mediated mRNA decay. This variant was not reported in population-based cohorts in the Genome Aggregation Database (gnomAD). Based on the available evidence, this alteration is classified as pathogenic.

NM_015100.4(POGZ):c.703_704del (p.Leu235fs)

Gene: POGZ (pogo transposable element derived with ZNF domain; minus strand). Cytogenetic location: 1q21.3.
Variant type: Microsatellite.
Coding change: c.703_704del on transcript NM_015100.4 (MANE Select); coding-DNA positions 703 to 704, 2 bases deleted (CT; older notation c.703_704delCT).
Protein change: p.Leu235fs; shifts the reading frame from leucine 235.
Molecular consequence: frameshift variant.
Genome position (GRCh38, 1-based): chr1:151,428,278-151,428,279, AG deleted on the plus strand (CT on the coding strand, the reverse complement: POGZ is on the minus strand); deleting any 2 consecutive bases within chr1:151,428,278-151,428,281 gives the same sequence; the c. name uses the placement nearest the transcript's 3' end. VCF-style (leftmost placement, unchanged base first): chr1-151428277-AAG-A. GRCh37 (hg19) VCF-style: chr1-151400753-AAG-A.
Other names: c.703_704del, p.Leu235fs (NM_001194937.2); c.544_545del, p.Leu182fs (NM_001194938.2, NM_207171.2); c.724_725del, p.Leu242fs (NM_001410860.1); c.418_419del, p.Leu140fs (NM_145796.4); short protein forms L140fs, L182fs, L235fs, L242fs.
Identifiers: ClinVar variation 3935486 (VCV003935486.1).